The following is an entry in ClinVar:

ClinVar aggregate classification (germline): Uncertain significance. Review status: criteria provided, multiple submitters, no conflicts (2 of 4 stars). 2 submissions from 2 submitters: Uncertain significance (2). Last evaluated 2025-10-15.

Allele frequency attached by ClinVar (database versions not stated): 1000 Genomes Project 0.00020; 1000 Genomes Project 30x 0.00016; TOPMed 0.00002.
gnomAD v4.1: 69 of 1,614,186 alleles (0.0043%); highest among the groups gnomAD compares: East Asian, 0.11%; no homozygotes.

Submissions (2):

GeneDx
Classification: Uncertain significance. Last evaluated: 2025-10-15. Review status: criteria provided, single submitter. Criteria: GeneDx Variant Classification Process June 2021. Collection method: clinical testing. Allele origin: germline. Affected: yes.
Comment: In silico analysis suggests that this missense variant does not alter protein structure/function; Has not been previously published as pathogenic or benign to our knowledge

Labcorp Genetics (formerly Invitae), Labcorp
Classification: Uncertain significance. Last evaluated: 2023-05-10. Review status: criteria provided, single submitter. Criteria: Invitae Variant Classification Sherloc (09022015). Collection method: clinical testing. Allele origin: germline.
Comment: In summary, the available evidence is currently insufficient to determine the role of this variant in disease. Therefore, it has been classified as a Variant of Uncertain Significance. An algorithm developed to predict the effect of missense changes on protein structure and function (PolyPhen-2) suggests that this variant¬† is likely to be tolerated. This sequence change replaces arginine, which is basic and polar, with glutamine, which is neutral and polar, at codon 134 of the CIB2 protein (p.Arg134Gln). This variant is present in population databases (rs199819065, gnomAD 0.01%). This variant has not been reported in the literature in individuals affected with CIB2-related conditions. ClinVar contains an entry for this variant (Variation ID: 961190).

NM_006383.4(CIB2):c.401G>A (p.Arg134Gln)

Gene: CIB2 (calcium and integrin binding family member 2; minus strand). Cytogenetic location: 15q25.1.
Variant type: single nucleotide variant.
Coding change: c.401G>A on transcript NM_006383.4 (MANE Select); coding-DNA position 401, G replaced by A.
Protein change: p.Arg134Gln; replaces arginine 134 with glutamine.
Molecular consequence: missense variant. On other transcripts: non-coding transcript variant (1).
Genome position (GRCh38, 1-based): chr15:78,105,880, C>T on the plus strand (G>A on the coding strand, the complement: CIB2 is on the minus strand). VCF-style: chr15-78105880-C-T. GRCh37 (hg19) VCF-style: chr15-78398222-C-T.
Other names: c.272G>A, p.Arg91Gln (NM_001271888.2); c.254G>A, p.Arg85Gln (NM_001271889.2); c.416G>A, p.Arg139Gln (NM_001301224.2); short protein forms R134Q, R139Q, R85Q, R91Q.
Identifiers: ClinVar variation 961190 (VCV000961190.10), dbSNP rs199819065, ClinGen allele CA7680176.
Genomic context (GRCh38, chr15:78,105,880, plus strand): 5'-TCAATGACCTTGTCGCACACAAGCACCACCTCCTCCTCATCCAGCTCTGACTTAGTGAGC[C>T]GGGCCAGCGTCAGCTCCAGGTCCTCCTTGCAGATGAAGTTGTCAGTGTTGAAGTCTGTAG-3'
Protein context (NP_006374.1, residues 124-144): CKEDLELTLA[Arg134Gln]LTKSELDEEE